The following is an entry in ClinVar:

NM_000059.4(BRCA2):c.10214A>G (p.Glu3405Gly)

Gene: BRCA2 (BRCA2 DNA repair associated; plus strand). Cytogenetic location: 13q13.1.
Variant type: single nucleotide variant.
Coding change: c.10214A>G on transcript NM_000059.4 (MANE Select); coding-DNA position 10214, A replaced by G.
Protein change: p.Glu3405Gly; replaces glutamic acid 3405 with glycine.
Molecular consequence: missense variant.
Genome position (GRCh38, 1-based): chr13:32,398,727, A>G. VCF-style: chr13-32398727-A-G. GRCh37 (hg19) VCF-style: chr13-32972864-A-G.
Other names: short protein forms E3405G.
Identifiers: ClinVar variation 920633 (VCV000920633.3), dbSNP rs2073057218, ClinGen allele CA387768483.

ClinVar aggregate classification (germline): Uncertain significance (1 of 4 stars; one submission).

Conditions:
Hereditary cancer-predisposing syndrome. Also called: Neoplastic Syndromes, Hereditary; Tumor predisposition; Hereditary Cancer Syndrome; Hereditary neoplastic syndrome. Identifiers: Orphanet 140162, MedGen C0027672, MeSH D009386, MONDO:0015356.

Submission:

Color Diagnostics, LLC DBA Color Health
Classification: Uncertain significance for Hereditary cancer-predisposing syndrome. Last evaluated: 2019-10-03. Review status: criteria provided, single submitter. Criteria: ACMG Guidelines, 2015. Collection method: clinical testing. Allele origin: germline.
Comment: This missense variant replaces glutamic acid with glycine at codon 3405 of the BRCA2 protein. Computational prediction tool suggests that this variant may not impact protein structure and function (internally defined REVEL score threshold ≤0.5, PMID: 27666373). Splice site prediction tools suggest that this variant may not impact RNA splicing. To our knowledge, functional studies have not been performed for this variant. This variant has not been reported in individuals affected with hereditary cancer in the literature. This variant has not been identified in the general population by the Genome Aggregation Database (gnomAD). The available evidence is insufficient to determine the role of this variant in disease conclusively. Therefore, this variant is classified as a Variant of Uncertain Significance.